The following is an entry in ClinVar:

ClinVar aggregate classification (germline): Benign (1 of 4 stars; one submission).

Conditions:
Glucocorticoid deficiency 1 (GCCD1). Also called: Adrenal unresponsiveness to acth; Glucocorticoid deficiency, due to ACTH unresponsiveness; FAMILIAL GLUCOCORTICOID DEFICIENCY 1. Identifiers: Orphanet 361, MedGen C4049650, MONDO:0024536, OMIM 202200.

Allele frequency attached by ClinVar (database versions not stated): gnomAD exomes 0.00119; gnomAD 0.01085 and 0.01176; 1000 Genomes Project 0.01098; 1000 Genomes Project 30x 0.01156; TOPMed 0.01276.
gnomAD v4.1: 1,707 of 217,758 alleles (0.78%); highest among the groups gnomAD compares: African/African-American, 3.7%; 30 homozygotes.

Submission:

Illumina Laboratory Services, Illumina
Classification: Benign for Glucocorticoid deficiency 1. Last evaluated: 2018-01-12. Review status: criteria provided, single submitter. Criteria: ICSL Variant Classification Criteria 13 December 2019. Collection method: clinical testing. Allele origin: germline.
Comment: This variant was observed in the ICSL laboratory as part of a predisposition screen in an ostensibly healthy population. It had not been previously curated by ICSL or reported in the Human Gene Mutation Database (HGMD: prior to June 1st, 2018), and was therefore a candidate for classification through an automated scoring system. Utilizing variant allele frequency, disease prevalence and penetrance estimates, and inheritance mode, an automated score was calculated to assess if this variant is too frequent to cause the disease. Based on the score and internal cut-off values, a variant classified as benign is not then subjected to further curation. The score for this variant resulted in a classification of benign for this disease.

NM_000529.2(MC2R):c.*491A>G

Gene: MC2R (melanocortin 2 receptor; minus strand). Cytogenetic location: 18p11.21.
Variant type: single nucleotide variant.
Coding change: c.*491A>G on transcript NM_000529.2 (MANE Select); 491 bases downstream of the stop codon, A replaced by G.
Molecular consequence: 3 prime UTR variant.
Genome position (GRCh38, 1-based): chr18:13,884,134, T>C on the plus strand (A>G on the coding strand, the complement: MC2R is on the minus strand). VCF-style: chr18-13884134-T-C. GRCh37 (hg19) VCF-style: chr18-13884133-T-C.
Other names: c.*491A>G (NM_001291911.1).
Identifiers: ClinVar variation 889971 (VCV000889971.4), dbSNP rs28926183, ClinGen allele CA296828264.